The following is an entry in ClinVar:

NM_005045.4(RELN):c.*151T>C

Genes: SLC26A5-AS1 (SLC26A5 antisense RNA 1; plus strand), RELN (reelin; minus strand). Cytogenetic location: 7q22.1.
Variant type: single nucleotide variant.
Coding change: c.*151T>C on transcript NM_005045.4 (MANE Select); 151 bases downstream of the stop codon, T replaced by C.
Molecular consequence: 3 prime UTR variant.
Genome position (GRCh38, 1-based): chr7:103,472,661, A>G on the plus strand (T>C on the coding strand, the complement: RELN is on the minus strand). VCF-style: chr7-103472661-A-G. GRCh37 (hg19) VCF-style: chr7-103113108-A-G.
Other names: c.*151T>C (NM_173054.3).
Identifiers: ClinVar variation 358370 (VCV000358370.8), dbSNP rs7811571, ClinGen allele CA10624953.

ClinVar aggregate classification (germline): Benign. Review status: criteria provided, multiple submitters, no conflicts (2 of 4 stars). 3 submissions from 3 submitters: Benign (3). Last evaluated 2018-06-26.

Conditions:
Norman-Roberts syndrome (LIS2). Also called: Lissencephaly 2 (Norman-Roberts type). Identifiers: Orphanet 89844, MedGen C0796089, MONDO:0009760, OMIM 257320.

Allele frequency attached by ClinVar (database versions not stated): gnomAD exomes 0.00504; 1000 Genomes Project 0.04093; gnomAD 0.04175 and 0.04492; 1000 Genomes Project 30x 0.04294; TOPMed 0.04738.
gnomAD v4.1: 9,062 of 665,552 alleles (1.4%); highest among the groups gnomAD compares: African/African-American, 15%; 610 homozygotes.

Submissions (3):

GeneDx
Classification: Benign. Last evaluated: 2018-06-26. Review status: criteria provided, single submitter. Criteria: GeneDx Variant Classification Process June 2021. Collection method: clinical testing. Allele origin: germline. Affected: yes.

Illumina Laboratory Services, Illumina
Classification: Benign for Norman-Roberts syndrome. Last evaluated: 2018-01-12. Review status: criteria provided, single submitter. Criteria: ICSL Variant Classification Criteria 13 December 2019. Collection method: clinical testing. Allele origin: germline.
Comment: This variant was observed in the ICSL laboratory as part of a predisposition screen in an ostensibly healthy population. It had not been previously curated by ICSL or reported in the Human Gene Mutation Database (HGMD: prior to June 1st, 2018), and was therefore a candidate for classification through an automated scoring system. Utilizing variant allele frequency, disease prevalence and penetrance estimates, and inheritance mode, an automated score was calculated to assess if this variant is too frequent to cause the disease. Based on the score and internal cut-off values, a variant classified as benign is not then subjected to further curation. The score for this variant resulted in a classification of benign for this disease.

Breakthrough Genomics
Classification: Benign. Review status: criteria provided, single submitter. Criteria: ACMG Guidelines, 2015. Collection method: not provided. Allele origin: germline. Inheritance: Autosomal recessive inheritance. Affected: yes.